The following is an entry in ClinVar:

NM_021930.6(RINT1):c.1222T>A (p.Phe408Ile)

Gene: RINT1 (RAD50 interactor 1; plus strand). Cytogenetic location: 7q22.3.
Variant type: single nucleotide variant.
Coding change: c.1222T>A on transcript NM_021930.6 (MANE Select); coding-DNA position 1222, T replaced by A.
Protein change: p.Phe408Ile; replaces phenylalanine 408 with isoleucine.
Molecular consequence: missense variant. On other transcripts: non-coding transcript variant (1).
Genome position (GRCh38, 1-based): chr7:105,550,375, T>A. VCF-style: chr7-105550375-T-A. GRCh37 (hg19) VCF-style: chr7-105190822-T-A.
Other names: c.988T>A, p.Phe330Ile (NM_001346599.2); c.199T>A, p.Phe67Ile (NM_001346600.2, NM_001346603.2); c.298T>A, p.Phe100Ile (NM_001346601.2); short protein forms F100I, F330I, F408I, F67I.
Identifiers: ClinVar variation 1358016 (VCV001358016.11), dbSNP rs2133402018, ClinGen allele CA368809223.

ClinVar aggregate classification (germline): Uncertain significance. Review status: criteria provided, multiple submitters, no conflicts (2 of 4 stars). 2 submissions from 2 submitters: Uncertain significance (2). Last evaluated 2025-03-22.

Submissions (2):

Labcorp Genetics (formerly Invitae), Labcorp
Classification: Uncertain significance. Last evaluated: 2025-03-22. Review status: criteria provided, single submitter. Criteria: Invitae Variant Classification Sherloc (09022015). Collection method: clinical testing. Allele origin: germline.
Comment: This sequence change replaces phenylalanine, which is neutral and non-polar, with isoleucine, which is neutral and non-polar, at codon 408 of the RINT1 protein (p.Phe408Ile). This variant is not present in population databases (gnomAD no frequency). This variant has not been reported in the literature in individuals affected with RINT1-related conditions. ClinVar contains an entry for this variant (Variation ID: 1358016). An algorithm developed to predict the effect of missense changes on protein structure and function (PolyPhen-2) suggests that this variant is likely to be disruptive. In summary, the available evidence is currently insufficient to determine the role of this variant in disease. Therefore, it has been classified as a Variant of Uncertain Significance.

Ambry Genetics
Classification: Uncertain significance. Last evaluated: 2024-10-19. Review status: criteria provided, single submitter. Criteria: Ambry Variant Classification Scheme 2023. Collection method: clinical testing. Allele origin: germline.
Comment: The p.F408I variant (also known as c.1222T>A), located in coding exon 9 of the RINT1 gene, results from a T to A substitution at nucleotide position 1222. The phenylalanine at codon 408 is replaced by isoleucine, an amino acid with highly similar properties. This amino acid position is conserved. In addition, this alteration is predicted to be deleterious by in silico analysis. Since supporting evidence is limited at this time, the clinical significance of this alteration remains unclear.